The following is an entry in ClinVar:

NM_004371.4(COPA):c.2627A>G (p.Glu876Gly)

Gene: COPA (coat protein complex I subunit alpha; minus strand). Cytogenetic location: 1q23.2.
Variant type: single nucleotide variant.
Coding change: c.2627A>G on transcript NM_004371.4 (MANE Select); coding-DNA position 2627, A replaced by G.
Protein change: p.Glu876Gly; replaces glutamic acid 876 with glycine.
Molecular consequence: missense variant.
Genome position (GRCh38, 1-based): chr1:160,294,533, T>C on the plus strand (A>G on the coding strand, the complement: COPA is on the minus strand). VCF-style: chr1-160294533-T-C. GRCh37 (hg19) VCF-style: chr1-160264323-T-C.
Other names: c.2654A>G, p.Glu885Gly (NM_001098398.2); short protein forms E876G, E885G.
Identifiers: ClinVar variation 4616376 (VCV004616376.2).

ClinVar aggregate classification (germline): Uncertain significance. Review status: criteria provided, multiple submitters, no conflicts (2 of 4 stars). 2 submissions from 2 submitters: Uncertain significance (2). Last evaluated 2025-11-16.

Conditions:
Autoimmune interstitial lung disease-arthritis syndrome. Also called: Autoinflammation and autoimmunity, systemic, with immune dysregulation. Identifiers: Orphanet 444092, MedGen C5975714, MONDO:0014629.
Inborn genetic diseases. Identifiers: MedGen C0950123, MeSH D030342.

gnomAD v4.1: 2 of 1,614,186 alleles (0.00012%); highest among the groups gnomAD compares: South Asian, 0.0011%; no homozygotes.

Submissions (2):

Labcorp Genetics (formerly Invitae), Labcorp
Classification: Uncertain significance for Autoimmune interstitial lung disease-arthritis syndrome. Last evaluated: 2025-11-16. Review status: criteria provided, single submitter. Criteria: Invitae Variant Classification Sherloc (09022015). Collection method: clinical testing. Allele origin: germline.
Comment: This sequence change replaces glutamic acid, which is acidic and polar, with glycine, which is neutral and non-polar, at codon 876 of the COPA protein (p.Glu876Gly). This variant is not present in population databases (gnomAD no frequency). This variant has not been reported in the literature in individuals affected with COPA-related conditions. Invitae Evidence Modeling of protein sequence and biophysical properties (such as structural, functional, and spatial information, amino acid conservation, physicochemical variation, residue mobility, and thermodynamic stability) indicates that this missense variant is not expected to disrupt COPA protein function with a negative predictive value of 80%. In summary, the available evidence is currently insufficient to determine the role of this variant in disease. Therefore, it has been classified as a Variant of Uncertain Significance.

Ambry Genetics
Classification: Uncertain significance for Inborn genetic diseases. Last evaluated: 2025-09-22. Review status: criteria provided, single submitter. Criteria: Ambry Variant Classification Scheme 2023. Collection method: clinical testing. Allele origin: germline.